The following is an entry in ClinVar:

ClinVar aggregate classification (germline): Pathogenic. Review status: criteria provided, multiple submitters, no conflicts (2 of 4 stars). 5 submissions from 5 submitters: Pathogenic (5). Last evaluated 2025-09-30.

Conditions:
Lissencephaly due to LIS1 mutation (LIS1). Also called: PAFAH1B1-Associated Lissencephaly/Subcortical Band Heterotopia; PAFAH1B1-Related Lissencephaly/Subcortical Band Heterotopia; Isolated Lissencephaly Sequence. Identifiers: Orphanet 95232, MedGen C4749301, MONDO:0011830, OMIM 607432.

Submissions (5):

Victorian Clinical Genetics Services, Murdoch Childrens Research Institute
Classification: Pathogenic for Lissencephaly due to LIS1 mutation. Last evaluated: 2025-09-30. Review status: criteria provided, single submitter. Criteria: ACMG Guidelines, 2015. Collection method: clinical testing. Allele origin: germline. Affected: yes.
Comment: This variant is classified as Pathogenic. Evidence in support of pathogenic classification: Variant is predicted to cause nonsense-mediated decay (NMD) and loss of protein (premature termination codon is located at least 54 nucleotides upstream of the final exon-exon junction); Variant is absent from gnomAD (v2, v3 and v4); This variant has moderate previous evidence of pathogenicity in unrelated individuals. This variant has been classified as pathogenic by several clinical laboratories in ClinVar; Other NMD-predicted variants comparable to the one identified in this case have very strong previous evidence for pathogenicity (DECIPHER); Additional information: This variant is heterozygous; This gene is associated with autosomal dominant disease; Loss of function is a known mechanism of disease in this gene and is associated with lissencephaly 1 (MIM#607432) and subcortical laminar heterotopia (MIM#607432); Variants in this gene are known to have variable expressivity. Lissencephaly 1 (MIM#607432) and subcortical laminar heterotopia (MIM#607432) comprise a spectrum of severity (PMID: 20301752).

Labcorp Genetics (formerly Invitae), Labcorp
Classification: Pathogenic. Last evaluated: 2023-10-22. Review status: criteria provided, single submitter. Criteria: Invitae Variant Classification Sherloc (09022015). Collection method: clinical testing. Allele origin: germline.
Comment: This sequence change creates a premature translational stop signal (p.Lys351Serfs*4) in the PAFAH1B1 gene. It is expected to result in an absent or disrupted protein product. Loss-of-function variants in PAFAH1B1 are known to be pathogenic (PMID: 1671808, 11115846, 14581661). This variant is not present in population databases (gnomAD no frequency). This premature translational stop signal has been observed in individual(s) with lissencephaly (PMID: 17664403, 26494205). ClinVar contains an entry for this variant (Variation ID: 21176). For these reasons, this variant has been classified as Pathogenic.

CeGaT Center for Human Genetics Tuebingen
Classification: Pathogenic. Last evaluated: 2022-02-01. Review status: criteria provided, single submitter. Criteria: CeGaT Center For Human Genetics Tuebingen Variant Classification Criteria Version 2. Collection method: clinical testing. Allele origin: germline. Affected: yes. Observed: 1 variant allele.

GeneDx
Classification: Pathogenic. Last evaluated: 2015-12-30. Review status: criteria provided, single submitter. Criteria: GeneDx Variant Classification (06012015). Collection method: clinical testing. Allele origin: germline. Affected: yes.
Comment: The c.1050delG pathogenic variant in the PAFAH1B1 gene has been reported previously in individuals with lissencephaly, seizures, and developmental delays (Uyanik et al., 2007; Saillour et al., 2009). The deletion causes a frameshift starting with codon Lysine 351, changes this amino acid to a Serine residue and creates a premature Stop codon at position 4 of the new reading frame, denoted p.Lys351SerfsX4. This pathogenic variant is predicted to cause loss of normal protein function either through protein truncation or nonsense-mediated mRNA decay. Additionally, it was not observed in approximately 6,500 individuals of European and African American ancestry in the NHLBI Exome Sequencing Project, indicating it is not a common benign variant in these populations.

Genetic Services Laboratory, University of Chicago
Classification: Pathogenic for Lissencephaly 1. Last evaluated: 2013-02-08. Review status: criteria provided, single submitter. Criteria: ACMG Guidelines, 2007. Collection method: clinical testing. Allele origin: germline. Inheritance: Autosomal dominant inheritance. Affected: yes.

Literature cited by the submitters: PubMed 20301752 (cited by Victorian Clinical Genetics Services, Murdoch Childrens Research Institute); PubMed 1671808 (cited by Labcorp Genetics (formerly Invitae), Labcorp); PubMed 11115846 (cited by Labcorp Genetics (formerly Invitae), Labcorp); PubMed 14581661 (cited by Labcorp Genetics (formerly Invitae), Labcorp); PubMed 17664403 (cited by Labcorp Genetics (formerly Invitae), Labcorp); PubMed 26494205 (cited by Labcorp Genetics (formerly Invitae), Labcorp).

NM_000430.4(PAFAH1B1):c.1050del (p.Lys351fs)

Gene: PAFAH1B1 (platelet activating factor acetylhydrolase 1b regulatory subunit 1; plus strand). Cytogenetic location: 17p13.3.
Variant type: Deletion.
Coding change: c.1050del on transcript NM_000430.4 (MANE Select); coding-DNA position 1050, one base deleted (G; older notation c.1050delG).
Protein change: p.Lys351fs; shifts the reading frame from lysine 351.
Molecular consequence: frameshift variant.
Genome position (GRCh38, 1-based): chr17:2,680,211, G deleted; the last of 6 consecutive G bases (chr17:2,680,206-2,680,211); deleting any one gives the same sequence. VCF-style (leftmost placement, unchanged base first): chr17-2680205-TG-T. GRCh37 (hg19) VCF-style: chr17-2583499-TG-T.
Other names: short protein forms K351fs.
Identifiers: ClinVar variation 21176 (VCV000021176.50), dbSNP rs113994200, ClinGen allele CA341704.